The following is an entry in ClinVar:

ClinVar aggregate classification (germline): Uncertain significance. Review status: criteria provided, multiple submitters, no conflicts (2 of 4 stars). 3 submissions from 3 submitters: Uncertain significance (3). Last evaluated 2025-03-25.

Conditions:
Spermatogenic failure 46. Identifiers: MedGen C5436799, MONDO:0033673, OMIM 619095.
Primary ciliary dyskinesia. Also called: Ciliary dyskinesia. Identifiers: Orphanet 244, MedGen C0008780, MONDO:0016575, HP:0012265.

Allele frequency attached by ClinVar (database versions not stated): gnomAD 0.00003; TOPMed 0.00004; gnomAD exomes 0.00005; ExAC 0.00006; 1000 Genomes Project 30x 0.00016; 1000 Genomes Project 0.00020.
gnomAD v4.1: 18 of 1,610,168 alleles (0.0011%); highest among the groups gnomAD compares: East Asian, 0.038%; no homozygotes.

Submissions (3):

Labcorp Genetics (formerly Invitae), Labcorp
Classification: Uncertain significance for Primary ciliary dyskinesia. Last evaluated: 2025-03-25. Review status: criteria provided, single submitter. Criteria: Invitae Variant Classification Sherloc (09022015). Collection method: clinical testing. Allele origin: germline.
Comment: This sequence change replaces serine, which is neutral and polar, with glycine, which is neutral and non-polar, at codon 1680 of the DNAH8 protein (p.Ser1680Gly). This variant is present in population databases (rs541531465, gnomAD 0.07%). This variant has not been reported in the literature in individuals affected with DNAH8-related conditions. ClinVar contains an entry for this variant (Variation ID: 1381213). Invitae Evidence Modeling of protein sequence and biophysical properties (such as structural, functional, and spatial information, amino acid conservation, physicochemical variation, residue mobility, and thermodynamic stability) indicates that this missense variant is not expected to disrupt DNAH8 protein function with a negative predictive value of 80%. In summary, the available evidence is currently insufficient to determine the role of this variant in disease. Therefore, it has been classified as a Variant of Uncertain Significance.

Ambry Genetics
Classification: Uncertain significance. Last evaluated: 2023-09-12. Review status: criteria provided, single submitter. Criteria: Ambry Variant Classification Scheme 2023. Collection method: clinical testing. Allele origin: germline.

Department of Pathology and Laboratory Medicine, Sinai Health System
Classification: Uncertain significance for spermatogenic failure 46. Last evaluated: 2022-09-01. Review status: criteria provided, single submitter. Criteria: ACMG Guidelines, 2015. Collection method: research. Allele origin: germline.

NM_001206927.2(DNAH8):c.5038A>G (p.Ser1680Gly)

Gene: DNAH8 (dynein axonemal heavy chain 8; plus strand). Cytogenetic location: 6p21.2.
Variant type: single nucleotide variant.
Coding change: c.5038A>G on transcript NM_001206927.2 (MANE Select); coding-DNA position 5038, A replaced by G.
Protein change: p.Ser1680Gly; replaces serine 1680 with glycine.
Molecular consequence: missense variant.
Genome position (GRCh38, 1-based): chr6:38,845,766, A>G. VCF-style: chr6-38845766-A-G. GRCh37 (hg19) VCF-style: chr6-38813542-A-G.
Other names: c.4387A>G, p.Ser1463Gly (NM_001371.4); c.5038A>G (NM_001206927.1); short protein forms S1680G, S1463G.
Identifiers: ClinVar variation 1381213 (VCV001381213.8), dbSNP rs541531465, ClinGen allele CA3789258.